The following is an entry in ClinVar:

ClinVar aggregate classification (germline): Likely pathogenic (1 of 4 stars; one submission).

Conditions:
Fatal mitochondrial disease due to combined oxidative phosphorylation defect type 3. Also called: Combined oxidative phosphorylation deficiency 3; ENCEPHALOMYOPATHY, RESPIRATORY FAILURE, AND LACTIC ACIDOSIS. Identifiers: Orphanet 168566, MedGen C1864840, MONDO:0012512, OMIM 610505.

Submission:

Natera, Inc.
Classification: Likely pathogenic for Combined oxidative phosphorylation deficiency 3. Last evaluated: 2024-09-26. Review status: criteria provided, single submitter. Criteria: Natera Variant Classification Schema (03/2026). Collection method: clinical testing. Allele origin: germline.
Comment: The c.360+1G>C variant in TSFM is a canonical splice donor site variant predicted to affect pre-mRNA splicing, which may result in an abnormal transcript and altered protein product. This variant is expected to result in nonsense mediated decay, truncation, or a dysfunctional protein product. This variant is rare in the general population with a frequency below the threshold expected for the associated phenotype(s). Given the available evidence, this variant is classified as Likely Pathogenic.

NM_005726.6(TSFM):c.360+1G>C

Gene: TSFM (Ts translation elongation factor, mitochondrial; plus strand). Cytogenetic location: 12q14.1.
Variant type: single nucleotide variant.
Coding change: c.360+1G>C on transcript NM_005726.6 (MANE Select); the canonical splice donor site of the intron after coding-DNA position 360, G replaced by C.
Molecular consequence: splice donor variant.
Genome position (GRCh38, 1-based): chr12:57,786,292, G>C. VCF-style: chr12-57786292-G-C. GRCh37 (hg19) VCF-style: chr12-58180075-G-C.
Other names: c.360+1G>C (NM_001172697.2, NM_001172696.2, NM_001172695.2).
Identifiers: ClinVar variation 4814678 (VCV004814678.1).